The following is an entry in ClinVar:

NM_052945.4(TNFRSF13C):c.320G>A (p.Arg107Gln)

Genes: TNFRSF13C (TNF receptor superfamily member 13C; minus strand), LOC130067574 (ATAC-STARR-seq lymphoblastoid silent region 13813; plus strand). Cytogenetic location: 22q13.2.
Variant type: single nucleotide variant.
Coding change: c.320G>A on transcript NM_052945.4 (MANE Select); coding-DNA position 320, G replaced by A.
Protein change: p.Arg107Gln; replaces arginine 107 with glutamine.
Molecular consequence: missense variant.
Genome position (GRCh38, 1-based): chr22:41,926,148, C>T on the plus strand (G>A on the coding strand, the complement: TNFRSF13C is on the minus strand). VCF-style: chr22-41926148-C-T. GRCh37 (hg19) VCF-style: chr22-42322152-C-T.
Other names: short protein forms R107Q.
Identifiers: ClinVar variation 3656300 (VCV003656300.2).
Genomic context (GRCh38, chr22:41,926,148, plus strand): 5'-ACACGGAACTCACCGTCCTTGTCTCCGTCGGGGGCCTCTGCGGAGGACGCGCCGCGAAGC[C>T]GCCGCTGTCGCCGCCTCCAGCTCACCAGACCCACCAGGACCAGCGCCAGGACCAGTGCCA-3'
Protein context (NP_443177.1, residues 97-117): GLVSWRRRQR[Arg107Gln]LRGASSAEAP

ClinVar aggregate classification (germline): Uncertain significance (1 of 4 stars; one submission).

Conditions:
Immunodeficiency, common variable, 4. Also called: ANTIBODY DEFICIENCY DUE TO BAFFR DEFECT. Identifiers: Orphanet 1572, Orphanet 696925, MedGen C3150739, MONDO:0013284, OMIM 613494.

Submission:

Labcorp Genetics (formerly Invitae), Labcorp
Classification: Uncertain significance for Immunodeficiency, common variable, 4. Last evaluated: 2024-06-11. Review status: criteria provided, single submitter. Criteria: Invitae Variant Classification Sherloc (09022015). Collection method: clinical testing. Allele origin: germline.
Comment: This sequence change replaces arginine, which is basic and polar, with glutamine, which is neutral and polar, at codon 107 of the TNFRSF13C protein (p.Arg107Gln). This variant is not present in population databases (gnomAD no frequency). This variant has not been reported in the literature in individuals affected with TNFRSF13C-related conditions. Algorithms developed to predict the effect of missense changes on protein structure and function output the following: SIFT: "Not Available"; PolyPhen-2: "Benign"; Align-GVGD: "Not Available". The glutamine amino acid residue is found in multiple mammalian species, which suggests that this missense change does not adversely affect protein function. In summary, the available evidence is currently insufficient to determine the role of this variant in disease. Therefore, it has been classified as a Variant of Uncertain Significance.